The following is an entry in ClinVar:

ClinVar aggregate classification (germline): Benign/Likely benign. Review status: criteria provided, multiple submitters, no conflicts (2 of 4 stars). 3 submissions from 2 submitters: Benign (1); Likely benign (2). Last evaluated 2018-01-13.

Conditions:
Catecholaminergic polymorphic ventricular tachycardia 1. Also called: VENTRICULAR TACHYCARDIA, CATECHOLAMINERGIC POLYMORPHIC, 1, WITH OR WITHOUT ATRIAL DYSFUNCTION AND/OR DILATED CARDIOMYOPATHY; VENTRICULAR TACHYCARDIA, STRESS-INDUCED POLYMORPHIC 1; RYR2-Related Catecholaminergic Polymorphic Ventricular Tachycardia. Identifiers: Orphanet 3286, MedGen C1631597, MONDO:0011484, OMIM 604772.
Arrhythmogenic right ventricular dysplasia 2. Identifiers: MedGen C1832931.

Allele frequency attached by ClinVar (database versions not stated): TOPMed 0.02546; 1000 Genomes Project 0.02855; 1000 Genomes Project 30x 0.03045; gnomAD 0.03547 and 0.03602; gnomAD exomes 0.07143.
gnomAD v4.1: 3,643 of 101,648 alleles (3.6%); highest among the groups gnomAD compares: South Asian, 5.2%; 60 homozygotes.

Submissions (3):

Illumina Laboratory Services, Illumina
Classification: Likely benign for Catecholaminergic polymorphic ventricular tachycardia 1. Last evaluated: 2018-01-13. Review status: criteria provided, single submitter. Criteria: ICSL Variant Classification Criteria 13 December 2019. Collection method: clinical testing. Allele origin: germline.
Comment: This variant was observed in the ICSL laboratory as part of a predisposition screen in an ostensibly healthy population. It had not been previously curated by ICSL or reported in the Human Gene Mutation Database (HGMD: prior to June 1st, 2018), and was therefore a candidate for classification through an automated scoring system. Utilizing variant allele frequency, disease prevalence and penetrance estimates, and inheritance mode, an automated score was calculated to assess if this variant is too frequent to cause the disease. Based on the score and internal cut-off values, a variant classified as likely benign is not then subjected to further curation. The score for this variant resulted in a classification of likely benign for this disease.

Illumina Laboratory Services, Illumina
Classification: Benign for Catecholaminergic polymorphic ventricular tachycardia 1. Last evaluated: 2018-01-13. Review status: criteria provided, single submitter. Criteria: ICSL Variant Classification Criteria 13 December 2019. Collection method: clinical testing. Allele origin: germline.
Comment: This variant was observed in the ICSL laboratory as part of a predisposition screen in an ostensibly healthy population. It had not been previously curated by ICSL or reported in the Human Gene Mutation Database (HGMD: prior to June 1st, 2018), and was therefore a candidate for classification through an automated scoring system. Utilizing variant allele frequency, disease prevalence and penetrance estimates, and inheritance mode, an automated score was calculated to assess if this variant is too frequent to cause the disease. Based on the score and internal cut-off values, a variant classified as benign is not then subjected to further curation. The score for this variant resulted in a classification of benign for this disease.

Breakthrough Genomics
Classification: Likely benign. Review status: criteria provided, single submitter. Criteria: ACMG Guidelines, 2015. Collection method: not provided. Allele origin: germline. Inheritance: Autosomal dominant inheritance. Affected: yes.

NM_001035.3(RYR2):c.*647C>T

Gene: RYR2 (ryanodine receptor 2; plus strand). Cytogenetic location: 1q43.
Variant type: single nucleotide variant.
Coding change: c.*647C>T on transcript NM_001035.3 (MANE Select); 647 bases downstream of the stop codon, C replaced by T.
Molecular consequence: 3 prime UTR variant.
Genome position (GRCh38, 1-based): chr1:237,833,294, C>T. VCF-style: chr1-237833294-C-T. GRCh37 (hg19) VCF-style: chr1-237996594-C-T.
Other names: c.*647C>T (LRG_402t1).
Identifiers: ClinVar variation 296791 (VCV000296791.6), dbSNP rs16835894, ClinGen allele CA10609853.